The following is an entry in ClinVar:

ClinVar aggregate classification (germline): Uncertain significance (1 of 4 stars; one submission).

Allele frequency attached by ClinVar (database versions not stated): gnomAD exomes below 0.00001; TOPMed below 0.00001.
gnomAD v4.1: 2 of 1,612,820 alleles (0.00012%); highest among the groups gnomAD compares: Non-Finnish European, 0.00017%; no homozygotes.

Submission:

Labcorp Genetics (formerly Invitae), Labcorp
Classification: Uncertain significance. Last evaluated: 2022-08-04. Review status: criteria provided, single submitter. Criteria: Invitae Variant Classification Sherloc (09022015). Collection method: clinical testing. Allele origin: germline.
Comment: This variant is present in population databases (no rsID available, gnomAD 0.0009%). In summary, the available evidence is currently insufficient to determine the role of this variant in disease. Therefore, it has been classified as a Variant of Uncertain Significance. Advanced modeling of protein sequence and biophysical properties (such as structural, functional, and spatial information, amino acid conservation, physicochemical variation, residue mobility, and thermodynamic stability) performed at Invitae indicates that this missense variant is not expected to disrupt LRP2 protein function. ClinVar contains an entry for this variant (Variation ID: 1364242). This variant has not been reported in the literature in individuals affected with LRP2-related conditions. This sequence change replaces glutamine, which is neutral and polar, with lysine, which is basic and polar, at codon 716 of the LRP2 protein (p.Gln716Lys).

NM_004525.3(LRP2):c.2146C>A (p.Gln716Lys)

Gene: LRP2 (LDL receptor related protein 2; minus strand). Cytogenetic location: 2q31.1.
Variant type: single nucleotide variant.
Coding change: c.2146C>A on transcript NM_004525.3 (MANE Select); coding-DNA position 2146, C replaced by A.
Protein change: p.Gln716Lys; replaces glutamine 716 with lysine.
Molecular consequence: missense variant.
Genome position (GRCh38, 1-based): chr2:169,271,078, G>T on the plus strand (C>A on the coding strand, the complement: LRP2 is on the minus strand). VCF-style: chr2-169271078-G-T. GRCh37 (hg19) VCF-style: chr2-170127588-G-T.
Other names: short protein forms Q716K.
Identifiers: ClinVar variation 1364242 (VCV001364242.6), dbSNP rs1199071599, ClinGen allele CA349163118.
Genomic context (GRCh38, chr2:169,271,078, plus strand): 5'-CTGGAACCATGACATCTTCCTGGGTAGACAAGGTGAACGGGATCCCACGAATAGCAACTT[G>T]GGATGAAAAAATGAGGAAATTCTGAACAGCTGTAGGAAGAATAACACAGCACAGTCAGTC-3'
Protein context (NP_004516.2, residues 706-726): AVQNFLIFSS[Gln716Lys]VAIRGIPFTL